The following is an entry in ClinVar:

NM_000059.4(BRCA2):c.1945C>A (p.Gln649Lys)

Gene: BRCA2 (BRCA2 DNA repair associated; plus strand). Cytogenetic location: 13q13.1.
Variant type: single nucleotide variant.
Coding change: c.1945C>A on transcript NM_000059.4 (MANE Select); coding-DNA position 1945, C replaced by A.
Protein change: p.Gln649Lys; replaces glutamine 649 with lysine.
Molecular consequence: missense variant.
Genome position (GRCh38, 1-based): chr13:32,336,300, C>A. VCF-style: chr13-32336300-C-A. GRCh37 (hg19) VCF-style: chr13-32910437-C-A.
Other names: short protein forms Q649K.
Identifiers: ClinVar variation 1017012 (VCV001017012.10), dbSNP rs398122735, ClinGen allele CA387768388.
Genomic context (GRCh38, chr13:32,336,300, plus strand): 5'-TGTCACTTTGTGTTTTTATGTTTAGGTTTATTGCATTCTTCTGTGAAAAGAAGCTGTTCA[C>A]AGAATGATTCTGAAGAACCAACTTTGTCCTTAACTAGCTCTTTTGGGACAATTCTGAGGA-3'
Protein context (NP_000050.3, residues 639-659): LHSSVKRSCS[Gln649Lys]NDSEEPTLSL

ClinVar aggregate classification (germline): Conflicting classifications of pathogenicity. Review status: criteria provided, conflicting classifications (1 of 4 stars). 2 submissions from 2 submitters: Uncertain significance (1); Likely benign (1). Last evaluated 2023-03-23.

Conditions:
Hereditary cancer-predisposing syndrome. Also called: Tumor predisposition; Neoplastic Syndromes, Hereditary; Hereditary neoplastic syndrome; Hereditary Cancer Syndrome. Identifiers: Orphanet 140162, MedGen C0027672, MeSH D009386, MONDO:0015356.
Hereditary breast ovarian cancer syndrome. Also called: BRCA1- and BRCA2-Associated Hereditary Breast and Ovarian Cancer; Hereditary breast and/or ovarian cancer syndrome; Hereditary breast and ovarian cancer syndrome; Hereditary breast and ovarian cancer; Hereditary breast and ovarian cancer syndrome (HBOC); Breast and ovarian cancer. Identifiers: Orphanet 145, MedGen C0677776, MeSH D061325, MONDO:0003582. Disease mechanism: loss of function.

Submissions (2):

University of Washington Department of Laboratory Medicine, University of Washington
Classification: Likely benign for Hereditary cancer-predisposing syndrome. Last evaluated: 2023-03-23. Review status: criteria provided, single submitter. Criteria: Dines et al. (Genet Med. 2020). Collection method: curation. Allele origin: germline.
Comment: Missense variant in a coldspot region where missense variants are very unlikely to be pathogenic (PMID:31911673).

BRCA2 exon 11 coldspot. Reclassification based on statistical prior probability.

Labcorp Genetics (formerly Invitae), Labcorp
Classification: Uncertain significance for Hereditary breast ovarian cancer syndrome. Last evaluated: 2018-06-29. Review status: criteria provided, single submitter. Criteria: Invitae Variant Classification Sherloc (09022015). Collection method: clinical testing. Allele origin: germline.
Comment: In summary, the available evidence is currently insufficient to determine the role of this variant in disease. Therefore, it has been classified as a Variant of Uncertain Significance. Algorithms developed to predict the effect of missense changes on protein structure and function are either unavailable or do not agree on the potential impact of this missense change (SIFT: "Tolerated"; PolyPhen-2: "Possibly Damaging"; Align-GVGD: "Class C0"). This variant has not been reported in the literature in individuals with BRCA2-related disease. This variant is not present in population databases (ExAC no frequency). This sequence change replaces glutamine with lysine at codon 649 of the BRCA2 protein (p.Gln649Lys). The glutamine residue is weakly conserved and there is a small physicochemical difference between glutamine and lysine.